The following is an entry in ClinVar:

NM_138694.4(PKHD1):c.5510T>A (p.Leu1837His)

Gene: PKHD1 (PKHD1 ciliary IPT domain containing fibrocystin/polyductin; minus strand). Cytogenetic location: 6p12.2.
Variant type: single nucleotide variant.
Coding change: c.5510T>A on transcript NM_138694.4 (MANE Select); coding-DNA position 5510, T replaced by A.
Protein change: p.Leu1837His; replaces leucine 1837 with histidine.
Molecular consequence: missense variant.
Genome position (GRCh38, 1-based): chr6:52,017,500, A>T on the plus strand (T>A on the coding strand, the complement: PKHD1 is on the minus strand). VCF-style: chr6-52017500-A-T. GRCh37 (hg19) VCF-style: chr6-51882298-A-T.
Other names: c.5510T>A, p.Leu1837His (NM_170724.3); short protein forms L1837H.
Identifiers: ClinVar variation 2500358 (VCV002500358.1), dbSNP rs2538214952, ClinGen allele CA364425647.

ClinVar aggregate classification (germline): Uncertain significance (1 of 4 stars; one submission).

Submission:

GeneDx
Classification: Uncertain significance. Last evaluated: 2022-11-01. Review status: criteria provided, single submitter. Criteria: GeneDx Variant Classification Process June 2021. Collection method: clinical testing. Allele origin: germline. Affected: yes.
Comment: Not observed at significant frequency in large population cohorts (gnomAD); In silico analysis supports that this missense variant does not alter protein structure/function; Has not been previously published as pathogenic or benign to our knowledge